The following is an entry in ClinVar:

NM_001378454.1(ALMS1):c.9579T>A (p.Ser3193=)

Gene: ALMS1 (ALMS1 centrosome and basal body associated protein; plus strand). Cytogenetic location: 2p13.1.
Variant type: single nucleotide variant.
Coding change: c.9579T>A on transcript NM_001378454.1 (MANE Select); coding-DNA position 9579, T replaced by A.
Protein change: p.Ser3193=; no amino-acid change (serine 3193 retained).
Molecular consequence: synonymous variant.
Genome position (GRCh38, 1-based): chr2:73,519,814, T>A. VCF-style: chr2-73519814-T-A. GRCh37 (hg19) VCF-style: chr2-73746941-T-A.
Other names: c.9582T>A, p.Ser3194= (NM_015120.4).
Identifiers: ClinVar variation 1403471 (VCV001403471.5), dbSNP rs769786449, ClinGen allele CA1714703.

ClinVar aggregate classification (germline): Conflicting classifications of pathogenicity. Review status: criteria provided, conflicting classifications (1 of 4 stars). 2 submissions from 2 submitters: Uncertain significance (1); Likely benign (1). Last evaluated 2023-11-10.

Conditions:
Cardiovascular phenotype. Identifiers: MedGen CN230736.
Alstrom syndrome (ALMS). Identifiers: Orphanet 64, MedGen C0268425, MONDO:0008763, OMIM 203800.

Allele frequency attached by ClinVar (database versions not stated): gnomAD exomes below 0.00001; ExAC 0.00001; gnomAD 0.00001.
gnomAD v4.1: 20 of 1,613,922 alleles (0.0012%); highest among the groups gnomAD compares: Non-Finnish European, 0.0014%; no homozygotes.

Submissions (3):

Ambry Genetics
Classification: Likely benign for Cardiovascular phenotype. Last evaluated: 2023-11-10. Review status: criteria provided, single submitter. Criteria: Ambry Variant Classification Scheme 2023. Collection method: clinical testing. Allele origin: germline.

Labcorp Genetics (formerly Invitae), Labcorp
Classification: Uncertain significance for Alstrom syndrome. Last evaluated: 2022-07-23. Review status: criteria provided, single submitter. Criteria: Invitae Variant Classification Sherloc (09022015). Collection method: clinical testing. Allele origin: germline.
Comment: This sequence change falls in exon 11 of the ALMS1 gene. It does not directly change the encoded amino acid sequence of the ALMS1 protein. This variant is present in population databases (rs769786449, gnomAD 0.0009%). This variant has not been reported in the literature in individuals affected with ALMS1-related conditions. ClinVar contains an entry for this variant (Variation ID: 1403471). Algorithms developed to predict the effect of sequence changes on RNA splicing suggest that this variant may create or strengthen a splice site. In summary, the available evidence is currently insufficient to determine the role of this variant in disease. Therefore, it has been classified as a Variant of Uncertain Significance.

Dr. Peter K. Rogan Lab, Western University
No classification provided (evidence only). Condition: Hepatocellular carcinoma. Review status: no classification provided. Collection method: in vitro. Allele origin: not applicable. Functional consequence: retained intron. Not counted in ClinVar's aggregate classification.